The following is an entry in ClinVar:

ClinVar aggregate classification (germline): Pathogenic (1 of 4 stars; one submission).

Submission:

Labcorp Genetics (formerly Invitae), Labcorp
Classification: Pathogenic. Last evaluated: 2023-02-15. Review status: criteria provided, single submitter. Criteria: Invitae Variant Classification Sherloc (09022015). Collection method: clinical testing. Allele origin: germline.
Comment: Experimental studies and prediction algorithms are not available or were not evaluated, and the functional significance of this variant is currently unknown. For these reasons, this variant has been classified as Pathogenic. This variant results in the deletion of exons 1-2 and part of exon 3 (c.-235_406del) of the MRPS34 gene. It is expected to result in an absent or disrupted protein product. Loss-of-function variants in MRPS34 are known to be pathogenic (PMID: 28777931). This variant has not been reported in the literature in individuals affected with MRPS34-related conditions.

Literature cited by the submitters: PubMed 28777931.

NC_000016.10:g.1772495_1773356del

Genes: EME2 (essential meiotic structure-specific endonuclease subunit 2; plus strand), MRPS34 (mitochondrial ribosomal protein S34; minus strand), LOC130058183 (ATAC-STARR-seq lymphoblastoid silent region 7002; plus strand), LOC130058184 (ATAC-STARR-seq lymphoblastoid active region 10237; plus strand), LOC130058185 (ATAC-STARR-seq lymphoblastoid silent region 7003; plus strand). Cytogenetic location: 16p13.3.
Variant type: Deletion.
Genome position: GRCh38: chr16:1,772,495-1,773,356. GRCh37 (hg19): chr16:1,822,496-1,823,357.
Identifiers: ClinVar variation 2837647 (VCV002837647.3), ClinGen allele CA2739269870.